The following is an entry in ClinVar:

NM_000051.4(ATM):c.7417del (p.Cys2473fs)

Genes: ATM (ATM serine/threonine kinase; plus strand), C11orf65 (chromosome 11 open reading frame 65; minus strand). Cytogenetic location: 11q22.3.
Variant type: Deletion.
Coding change: c.7417del on transcript NM_000051.4 (MANE Select); coding-DNA position 7417, one base deleted (T; older notation c.7417delT).
Protein change: p.Cys2473fs; shifts the reading frame from cysteine 2473.
Molecular consequence: frameshift variant. On other transcripts: intron variant (2).
Genome position (GRCh38, 1-based): chr11:108,330,323, T deleted. VCF-style (leftmost placement, unchanged base first): chr11-108330322-CT-C. GRCh37 (hg19) VCF-style: chr11-108201049-CT-C.
Other names: c.7417delT, p.Cys2473Alafs (NM_000051.3); c.7417del, p.Cys2473fs (NM_001351834.2); c.641-21252del (NM_001330368.2); c.*38+4897del (NM_001351110.2); short protein forms C2473fs.
Identifiers: ClinVar variation 936087 (VCV000936087.10), dbSNP rs2086125359, ClinGen allele CA1139662178.

ClinVar aggregate classification (germline): Pathogenic/Likely pathogenic. Review status: criteria provided, multiple submitters, no conflicts (2 of 4 stars). 3 submissions from 3 submitters: Pathogenic (2); Likely pathogenic (1). Last evaluated 2025-04-28.

Conditions:
Hereditary cancer-predisposing syndrome. Also called: Tumor predisposition; Neoplastic Syndromes, Hereditary; Hereditary neoplastic syndrome; Hereditary Cancer Syndrome. Identifiers: Orphanet 140162, MedGen C0027672, MeSH D009386, MONDO:0015356.
Ataxia-telangiectasia syndrome (AT). Also called: Ataxia-telangiectasia, complementation group D; AT, COMPLEMENTATION GROUP C; ATAXIA-TELANGIECTASIA, COMPLEMENTATION GROUP A; ATAXIA-TELANGIECTASIA, FRESNO VARIANT; Ataxia-telangiectasia; Ataxia telangiectasia (A-T). Identifiers: Orphanet 100, MedGen C0004135, MONDO:0008840, OMIM 208900.
Familial cancer of breast. Also called: Hereditary breast cancer; hereditary breast carcinoma; BREAST CANCER, FAMILIAL. Identifiers: Orphanet 227535, MedGen C0346153, MONDO:0016419, OMIM 114480. Disease mechanism: loss of function.

Submissions (3):

Labcorp Genetics (formerly Invitae), Labcorp
Classification: Pathogenic for Ataxia-telangiectasia syndrome. Last evaluated: 2025-04-28. Review status: criteria provided, single submitter. Criteria: Invitae Variant Classification Sherloc (09022015). Collection method: clinical testing. Allele origin: germline.
Comment: This sequence change creates a premature translational stop signal (p.Cys2473Alafs*3) in the ATM gene. It is expected to result in an absent or disrupted protein product. Loss-of-function variants in ATM are known to be pathogenic (PMID: 23807571, 25614872). This variant is not present in population databases (gnomAD no frequency). This variant has not been reported in the literature in individuals affected with ATM-related conditions. ClinVar contains an entry for this variant (Variation ID: 936087). For these reasons, this variant has been classified as Pathogenic.

Ambry Genetics
Classification: Pathogenic for Hereditary cancer-predisposing syndrome. Last evaluated: 2025-01-14. Review status: criteria provided, single submitter. Criteria: Ambry Variant Classification Scheme 2023. Collection method: clinical testing. Allele origin: germline.
Comment: The c.7417delT pathogenic mutation, located in coding exon 49 of the ATM gene, results from a deletion of one nucleotide at nucleotide position 7417, causing a translational frameshift with a predicted alternate stop codon (p.C2473Afs*3). This alteration is expected to result in loss of function by premature protein truncation or nonsense-mediated mRNA decay. As such, this alteration is interpreted as a disease-causing mutation.

Baylor Genetics
Classification: Likely pathogenic for Familial cancer of breast. Last evaluated: 2023-07-14. Review status: criteria provided, single submitter. Criteria: ACMG Guidelines, 2015. Collection method: clinical testing. Allele origin: unknown.

Literature cited by the submitters: PubMed 23807571 (cited by Labcorp Genetics (formerly Invitae), Labcorp); PubMed 25614872 (cited by Labcorp Genetics (formerly Invitae), Labcorp).